The following is an entry in ClinVar:

NM_000322.5(PRPH2):c.665G>A (p.Cys222Tyr)

Gene: PRPH2 (peripherin 2; minus strand). Cytogenetic location: 6p21.1.
Variant type: single nucleotide variant.
Coding change: c.665G>A on transcript NM_000322.5 (MANE Select); coding-DNA position 665, G replaced by A.
Protein change: p.Cys222Tyr; replaces cysteine 222 with tyrosine.
Molecular consequence: missense variant.
Genome position (GRCh38, 1-based): chr6:42,704,528, C>T on the plus strand (G>A on the coding strand, the complement: PRPH2 is on the minus strand). VCF-style: chr6-42704528-C-T. GRCh37 (hg19) VCF-style: chr6-42672266-C-T.
Other names: short protein forms C222Y.
Identifiers: ClinVar variation 866753 (VCV000866753.12), dbSNP rs1442844778, ClinGen allele CA364135446.

ClinVar aggregate classification (germline): Conflicting classifications of pathogenicity. Review status: criteria provided, conflicting classifications (1 of 4 stars). 4 submissions from 4 submitters: Pathogenic (2); Uncertain significance (1). 1 of the submissions does not count toward it. Last evaluated 2025-05-04.

Conditions:
Stargardt disease (FFM). Also called: Stargardt's disease; Fundus flavimaculatus. Identifiers: Orphanet 827, MedGen C0271093, MONDO:0019353.
PRPH2-related disorder. Also called: PRPH2-related condition; PRPH2-related disorders. Identifiers: MedGen CN239395.

Allele frequency attached by ClinVar (database versions not stated): gnomAD exomes below 0.00001.
gnomAD v4.1: 2 of 1,614,182 alleles (0.00012%); highest among the groups gnomAD compares: Non-Finnish European, 0.00017%; no homozygotes.

Submissions (4):

Labcorp Genetics (formerly Invitae), Labcorp
Classification: Pathogenic for PRPH2-related disorder. Last evaluated: 2025-05-04. Review status: criteria provided, single submitter. Criteria: Invitae Variant Classification Sherloc (09022015). Collection method: clinical testing. Allele origin: germline.
Comment: This sequence change replaces cysteine, which is neutral and slightly polar, with tyrosine, which is neutral and polar, at codon 222 of the PRPH2 protein (p.Cys222Tyr). This variant is not present in population databases (gnomAD no frequency). This missense change has been observed in individuals with clinical features of autosomal dominant inherited retinal dystrophy (PMID: 28559085; internal data). ClinVar contains an entry for this variant (Variation ID: 866753). Invitae Evidence Modeling of protein sequence and biophysical properties (such as structural, functional, and spatial information, amino acid conservation, physicochemical variation, residue mobility, and thermodynamic stability) indicates that this missense variant is expected to disrupt PRPH2 protein function with a positive predictive value of 95%. This variant disrupts the p.Cys222 amino acid residue in PRPH2. Other variant(s) that disrupt this residue have been determined to be pathogenic (PMID: 17296903, 25447119). This suggests that this residue is clinically significant, and that variants that disrupt this residue are likely to be disease-causing. For these reasons, this variant has been classified as Pathogenic.

Blueprint Genetics
Classification: Pathogenic for PRPH2-related disorders. Last evaluated: 2023-12-28. Review status: criteria provided, single submitter. Criteria: ACMG Guidelines, 2015. Collection method: clinical testing. Allele origin: germline. Affected: yes. Observed: 5 variant alleles.

NEI Ophthalmic Genomics Laboratory, National Institutes of Health
Classification: Uncertain significance for Stargardt disease. Last evaluated: 2020-01-07. Review status: criteria provided, single submitter. Criteria: ACMG Guidelines, 2015. Collection method: clinical testing. Allele origin: germline. Affected: yes.
Comment: The variant NM_000322.4:c.665G>A in the PRPH2 gene has been previously studied(PMID 28559085). This variant is listed in dbSNP and/or HGMD (CM1723382). It is absent in gnomAD browser. This variant is not already listed in ClinVar. It is not enriched in the PRPH2 disease cohort. We invoked ACMG criteria [PM1, PM2, PP3] and classified NM_000322.4:c.665G>A in the PRPH2 gene as a Variant of Uncertain Significance.

Leiden Open Variation Database
Classification: Pathogenic. Last evaluated: 2021-04-06. Review status: no assertion criteria provided. Collection method: curation. Allele origin: germline. Affected: yes. Not counted in ClinVar's aggregate classification.
Comment: Curator: Global Variome, with Curator vacancy. Submitters to LOVD: LOVD, Manon Peeters.

Literature cited by the submitters: PubMed 28559085 (cited by Labcorp Genetics (formerly Invitae), Labcorp and Leiden Open Variation Database); PubMed 17296903 (cited by Labcorp Genetics (formerly Invitae), Labcorp); PubMed 25447119 (cited by Labcorp Genetics (formerly Invitae), Labcorp); PubMed 32531846 (cited by Leiden Open Variation Database).